The following is an entry in ClinVar:

NM_000430.4(PAFAH1B1):c.1009_1022del (p.His337fs)

Gene: PAFAH1B1 (platelet activating factor acetylhydrolase 1b regulatory subunit 1; plus strand). Cytogenetic location: 17p13.3.
Variant type: Deletion.
Coding change: c.1009_1022del on transcript NM_000430.4 (MANE Select); coding-DNA positions 1009 to 1022, 14 bases deleted (CATGATAACTGGGT).
Protein change: p.His337fs; shifts the reading frame from histidine 337.
Molecular consequence: frameshift variant.
Genome position (GRCh38, 1-based): chr17:2,680,170-2,680,183, CATGATAACTGGGT deleted; deleting any 14 consecutive bases within chr17:2,680,165-2,680,183 gives the same sequence; the c. name uses the placement nearest the transcript's 3' end. VCF-style (leftmost placement, unchanged base first): chr17-2680164-GTGGGTCATGATAAC-G. GRCh37 (hg19) VCF-style: chr17-2583458-GTGGGTCATGATAAC-G.
Other names: short protein forms H337fs.
Identifiers: ClinVar variation 1458748 (VCV001458748.8), dbSNP rs2151673809, ClinGen allele CA2573153018.

ClinVar aggregate classification (germline): Pathogenic (1 of 4 stars; one submission).

Conditions:
Lissencephaly due to LIS1 mutation (LIS1). Also called: Isolated Lissencephaly Sequence; PAFAH1B1-Associated Lissencephaly/Subcortical Band Heterotopia; PAFAH1B1-Related Lissencephaly/Subcortical Band Heterotopia. Identifiers: Orphanet 95232, MedGen C4749301, MONDO:0011830, OMIM 607432.

Submission:

Labcorp Genetics (formerly Invitae), Labcorp
Classification: Pathogenic. Last evaluated: 2022-08-09. Review status: criteria provided, single submitter. Criteria: Invitae Variant Classification Sherloc (09022015). Collection method: clinical testing. Allele origin: germline.
Comment: This sequence change creates a premature translational stop signal (p.His337Thrfs*17) in the PAFAH1B1 gene. It is expected to result in an absent or disrupted protein product. Loss-of-function variants in PAFAH1B1 are known to be pathogenic (PMID: 1671808, 11115846, 14581661). This variant is not present in population databases (gnomAD no frequency). This variant has not been reported in the literature in individuals affected with PAFAH1B1-related conditions. ClinVar contains an entry for this variant (Variation ID: 1458748). For these reasons, this variant has been classified as Pathogenic.

Literature cited by the submitters: PubMed 1671808 (cited by Labcorp Genetics (formerly Invitae), Labcorp); PubMed 11115846 (cited by Labcorp Genetics (formerly Invitae), Labcorp); PubMed 14581661 (cited by Labcorp Genetics (formerly Invitae), Labcorp).